The following is an entry in ClinVar:

ClinVar aggregate classification (germline): Pathogenic (1 of 4 stars; one submission).

Conditions:
Propionic acidemia (PROP). Also called: KETOTIC HYPERGLYCINEMIA; GLYCINEMIA, KETOTIC; HYPERGLYCINEMIA WITH KETOACIDOSIS AND LEUKOPENIA. Identifiers: Orphanet 35, MedGen C0268579, MONDO:0011628, OMIM 606054, HP:0003571.

Submission:

Labcorp Genetics (formerly Invitae), Labcorp
Classification: Pathogenic for Propionic acidemia. Last evaluated: 2023-12-19. Review status: criteria provided, single submitter. Criteria: Invitae Variant Classification Sherloc (09022015). Collection method: clinical testing. Allele origin: germline.
Comment: This sequence change creates a premature translational stop signal (p.Val378Cysfs*5) in the PCCB gene. It is expected to result in an absent or disrupted protein product. Loss-of-function variants in PCCB are known to be pathogenic (PMID: 15464417). This variant is not present in population databases (gnomAD no frequency). This premature translational stop signal has been observed in individual(s) with propionic acidemia (PMID: 33798502). Algorithms developed to predict the effect of sequence changes on RNA splicing suggest that this variant may disrupt the consensus splice site. For these reasons, this variant has been classified as Pathogenic.

Literature cited by the submitters: PubMed 15464417; PubMed 33798502.

NM_000532.5(PCCB):c.1131dup (p.Val378fs)

Gene: PCCB (propionyl-CoA carboxylase subunit beta; plus strand). Cytogenetic location: 3q22.3.
Variant type: Duplication.
Coding change: c.1131dup on transcript NM_000532.5 (MANE Select); coding-DNA position 1131, one base duplicated (T; older notation c.1131dupT).
Protein change: p.Val378fs; shifts the reading frame from valine 378.
Molecular consequence: frameshift variant.
Genome position (GRCh38, 1-based): chr3:136,326,843, T duplicated; the last of 4 consecutive T bases (chr3:136,326,840-136,326,843); duplicating any one gives the same sequence. VCF-style (leftmost placement, unchanged base first): chr3-136326839-G-GT. GRCh37 (hg19) VCF-style: chr3-136045681-G-GT.
Other names: c.1191dup, p.Val398fs (NM_001178014.2); short protein forms V378fs, V398fs.
Identifiers: ClinVar variation 2780029 (VCV002780029.3), dbSNP rs2529970405, ClinGen allele CA2586972961.